The following is an entry in ClinVar:

NM_001164508.2(NEB):c.24361_24364del (p.Arg8121fs)

Genes: NEB (nebulin; minus strand), RIF1 (replication timing regulatory factor 1; plus strand). Cytogenetic location: 2q23.3.
Variant type: Microsatellite.
Coding change: c.24361_24364del on transcript NM_001164508.2 (MANE Select); coding-DNA positions 24361 to 24364, 4 bases deleted (AGAG; older notation c.24361_24364delAGAG).
Protein change: p.Arg8121fs; shifts the reading frame from arginine 8121.
Molecular consequence: frameshift variant. On other transcripts: intron variant (1).
Genome position (GRCh38, 1-based): chr2:151,496,970-151,496,973, CTCT deleted on the plus strand (AGAG on the coding strand, the reverse complement: NEB is on the minus strand); deleting any 4 consecutive bases within chr2:151,496,970-151,496,976 gives the same sequence; the c. name uses the placement nearest the transcript's 3' end. VCF-style (leftmost placement, unchanged base first): chr2-151496969-ACTCT-A. GRCh37 (hg19) VCF-style: chr2-152353483-ACTCT-A.
Other names: c.24361_24364del, p.Arg8121fs (NM_001164507.2); c.24466_24469del, p.Arg8156fs (NM_001271208.2); c.18826-605_18826-602del (NM_004543.5); short protein forms R8156fs, R8121fs.
Identifiers: ClinVar variation 3584403 (VCV003584403.3).

ClinVar aggregate classification (germline): Pathogenic/Likely pathogenic. Review status: criteria provided, multiple submitters, no conflicts (2 of 4 stars). 2 submissions from 2 submitters: Pathogenic (1); Likely pathogenic (1). Last evaluated 2024-03-03.

Conditions:
Nemaline myopathy 2 (NEM2). Also called: Nemaline myopathy 2, autosomal recessive. Identifiers: MedGen C1850569, MONDO:0009725, OMIM 256030.
Arthrogryposis multiplex congenita 6. Identifiers: MedGen C5543431, MONDO:0030281, OMIM 619334.

Submissions (2):

Labcorp Genetics (formerly Invitae), Labcorp
Classification: Pathogenic for Nemaline myopathy 2. Last evaluated: 2024-03-03. Review status: criteria provided, single submitter. Criteria: Invitae Variant Classification Sherloc (09022015). Collection method: clinical testing. Allele origin: germline.
Comment: This sequence change creates a premature translational stop signal (p.Arg8156Serfs*23) in the NEB gene. It is expected to result in an absent or disrupted protein product. Loss-of-function variants in NEB are known to be pathogenic (PMID: 25205138). This variant is not present in population databases (gnomAD no frequency). This variant has not been reported in the literature in individuals affected with NEB-related conditions. For these reasons, this variant has been classified as Pathogenic.

Fulgent Genetics
Classification: Likely pathogenic for Nemaline myopathy 2; Arthrogryposis multiplex congenita 6. Last evaluated: 2024-02-22. Review status: criteria provided, single submitter. Criteria: ACMG Guidelines, 2015. Collection method: clinical testing. Allele origin: germline.

Literature cited by the submitters: PubMed 25205138 (cited by Labcorp Genetics (formerly Invitae), Labcorp).